The following is an entry in ClinVar:

ClinVar aggregate classification (germline): Uncertain significance (1 of 4 stars; one submission).

Conditions:
Centromeric instability of chromosomes 1,9 and 16 and immunodeficiency (ICF1). Also called: CENTROMERIC INSTABILITY, IMMUNODEFICIENCY SYNDROME; IMMUNE DEFICIENCY, VARIABLE, WITH CENTROMERIC INSTABILITY OF CHROMOSOMES 1, 9, AND 16; IMMUNODEFICIENCY SYNDROME, VARIABLE; Immunodeficiency-centromeric instability-facial anomalies. Identifiers: Orphanet 2268, MedGen C0398788, MONDO:0000133.

gnomAD v4.1: 1 of 1,614,214 alleles (0.000062%); highest among the groups gnomAD compares: South Asian, 0.0011%; no homozygotes.

Submission:

Labcorp Genetics (formerly Invitae), Labcorp
Classification: Uncertain significance for Centromeric instability of chromosomes 1,9 and 16 and immunodeficiency. Last evaluated: 2022-08-09. Review status: criteria provided, single submitter. Criteria: Invitae Variant Classification Sherloc (09022015). Collection method: clinical testing. Allele origin: germline.
Comment: In summary, the available evidence is currently insufficient to determine the role of this variant in disease. Therefore, it has been classified as a Variant of Uncertain Significance. Algorithms developed to predict the effect of missense changes on protein structure and function are either unavailable or do not agree on the potential impact of this missense change (SIFT: "Deleterious"; PolyPhen-2: "Probably Damaging"; Align-GVGD: "Class C0"). ClinVar contains an entry for this variant (Variation ID: 1356511). This variant has not been reported in the literature in individuals affected with DNMT3B-related conditions. This variant is not present in population databases (gnomAD no frequency). This sequence change replaces proline, which is neutral and non-polar, with histidine, which is basic and polar, at codon 187 of the DNMT3B protein (p.Pro187His).

NM_006892.4(DNMT3B):c.560C>A (p.Pro187His)

Gene: DNMT3B (DNA methyltransferase 3 beta; plus strand). Cytogenetic location: 20q11.21.
Variant type: single nucleotide variant.
Coding change: c.560C>A on transcript NM_006892.4 (MANE Select); coding-DNA position 560, C replaced by A.
Protein change: p.Pro187His; replaces proline 187 with histidine.
Molecular consequence: missense variant.
Genome position (GRCh38, 1-based): chr20:32,787,357, C>A. VCF-style: chr20-32787357-C-A. GRCh37 (hg19) VCF-style: chr20-31375163-C-A.
Other names: c.434C>A, p.Pro145His (NM_001207055.2); c.332C>A, p.Pro111His (NM_001207056.2); c.560C>A, p.Pro187His (NM_175848.2, NM_175849.2); c.596C>A, p.Pro199His (NM_175850.3); short protein forms P187H, P111H, P199H, P145H.
Identifiers: ClinVar variation 1356511 (VCV001356511.4), dbSNP rs774622592, ClinGen allele CA408586706.